The following is an entry in ClinVar:

ClinVar aggregate classification (germline): Pathogenic (1 of 4 stars; one submission).

Conditions:
Familial cancer of breast. Also called: Hereditary breast cancer; BREAST CANCER, FAMILIAL; hereditary breast carcinoma. Identifiers: Orphanet 227535, MedGen C0346153, MONDO:0016419, OMIM 114480. Disease mechanism: loss of function.

Submission:

Myriad Genetics, Inc.
Classification: Pathogenic for Familial cancer of breast. Last evaluated: 2023-09-08. Review status: criteria provided, single submitter. Criteria: Myriad Autosomal Dominant, Autosomal Recessive and X-Linked Classification Criteria (2023). Collection method: clinical testing. Allele origin: unknown.
Comment: This variant is considered pathogenic. This variant creates a frameshift predicted to result in premature protein truncation.

NM_024675.4(PALB2):c.1189del (p.Thr397fs)

Gene: PALB2 (partner and localizer of BRCA2; minus strand). Cytogenetic location: 16p12.2.
Variant type: Deletion.
Coding change: c.1189del on transcript NM_024675.4 (MANE Select); coding-DNA position 1189, one base deleted (A; older notation c.1189delA).
Protein change: p.Thr397fs; shifts the reading frame from threonine 397.
Molecular consequence: frameshift variant. On other transcripts: intron variant (3).
Genome position (GRCh38, 1-based): chr16:23,635,357, T deleted on the plus strand (A on the coding strand, the reverse complement: PALB2 is on the minus strand). VCF-style (leftmost placement, unchanged base first): chr16-23635356-GT-G. GRCh37 (hg19) VCF-style: chr16-23646677-GT-G.
Other names: c.1129del, p.Thr377fs (NM_001407296.1); c.1189del, p.Thr397fs (NM_001407297.1, NM_001407298.1, NM_001407299.1 and 3 more transcripts); c.304del, p.Thr102fs (NM_001407304.1, NM_001407305.1, NM_001407306.1 and 5 more transcripts); c.48+5753del (NM_001407314.1); c.-104-4888del (NM_001407313.1, NM_001407312.1); short protein forms T102fs, T377fs, T397fs.
Identifiers: ClinVar variation 2674142 (VCV002674142.1), dbSNP rs2506485985, ClinGen allele CA2695197499.